The following is an entry in ClinVar:

NM_170682.4(P2RX2):c.-10C>T

Gene: P2RX2 (purinergic receptor P2X 2; plus strand). Cytogenetic location: 12q24.33.
Variant type: single nucleotide variant.
Coding change: c.-10C>T on transcript NM_170682.4 (MANE Select); 10 bases upstream of the start codon, C replaced by T.
Molecular consequence: 5 prime UTR variant.
Genome position (GRCh38, 1-based): chr12:132,618,807, C>T. VCF-style: chr12-132618807-C-T. GRCh37 (hg19) VCF-style: chr12-133195393-C-T.
Other names: c.-10C>T (NM_001282164.2, NM_001282165.2, NM_012226.5 and 4 more transcripts).
Identifiers: ClinVar variation 514570 (VCV000514570.4), dbSNP rs566193497, ClinGen allele CA6891292.

ClinVar aggregate classification (germline): Likely benign. Review status: criteria provided, multiple submitters, no conflicts (2 of 4 stars). 4 submissions from 4 submitters: Likely benign (4). Last evaluated 2024-10-15.

Allele frequency attached by ClinVar (database versions not stated): gnomAD exomes 0.00014 and 0.00041; 1000 Genomes Project 0.00100; gnomAD 0.00166 and 0.00167; TOPMed 0.00297; 1000 Genomes Project 30x 0.00344; ExAC 0.00623.

Submissions (4):

Blueprint Genetics
Classification: Likely benign. Last evaluated: 2024-10-15. Review status: criteria provided, single submitter. Criteria: ACMG Guidelines, 2015. Collection method: clinical testing. Allele origin: germline.

Athena Diagnostics
Classification: Likely benign. Last evaluated: 2018-12-12. Review status: criteria provided, single submitter. Criteria: Athena Diagnostics Criteria. Collection method: clinical testing. Allele origin: germline.

GeneDx
Classification: Likely benign. Last evaluated: 2018-01-11. Review status: criteria provided, single submitter. Criteria: GeneDx Variant Classification (06012015). Collection method: clinical testing. Allele origin: germline. Affected: yes.
Comment: This variant is considered likely benign or benign based on one or more of the following criteria: it is a conservative change, it occurs at a poorly conserved position in the protein, it is predicted to be benign by multiple in silico algorithms, and/or has population frequency not consistent with disease.

Breakthrough Genomics
Classification: Likely benign. Review status: criteria provided, single submitter. Criteria: ACMG Guidelines, 2015. Collection method: not provided. Allele origin: germline. Inheritance: Autosomal dominant inheritance. Affected: yes.